The following is an entry in ClinVar:

NM_006186.4(NR4A2):c.14_15insT (p.Gln5fs)

Gene: NR4A2 (nuclear receptor subfamily 4 group A member 2; minus strand). Cytogenetic location: 2q24.1.
Variant type: Insertion.
Coding change: c.14_15insT on transcript NM_006186.4 (MANE Select); coding-DNA positions 14 to 15, T inserted.
Protein change: p.Gln5fs; shifts the reading frame from glutamine 5.
Molecular consequence: frameshift variant. On other transcripts: intron variant (1).
Genome position: GRCh38 VCF-style: chr2-156330172-C-CA. GRCh37 (hg19) VCF-style: chr2-157186684-C-CA.
Other names: HZF-3; NOT; NURR1; RNR1; TINUR; c.-13-163_-13-162insT (NM_173173.3); short protein forms Q5fs.
Identifiers: ClinVar variation 3338476 (VCV003338476.2).

ClinVar aggregate classification (germline): Pathogenic (1 of 4 stars; one submission).

Conditions:
Intellectual developmental disorder with language impairment and early-onset DOPA-responsive dystonia-parkinsonism (IDLDP). Identifiers: Orphanet 660017, MedGen C5677001, MONDO:0859257, OMIM 619911.

Submission:

Center Lab, King Abdulaziz University
Classification: Pathogenic for Intellectual developmental disorder with language impairment and early-onset DOPA-responsive dystonia-parkinsonism. Last evaluated: 2024-08-26. Review status: criteria provided, single submitter. Criteria: ACMG Guidelines, 2015. Collection method: case-control. Allele origin: de novo. Inheritance: Autosomal dominant inheritance. Affected: no. Observed: 1 homozygote.
Comment: Loss of function variant, product does not undergo nonsense mediated mRNA decay. Variant located near the start codon (<100nt), not predicted to undergo nonsense mediated mRNA decay. There are 22 pathogenic variants in the truncated region. The variant got 10 ACMG points: 10P and 0B. Criteria applied: PVS1, PM6, PM2 (moderate).

Literature cited by the submitters: PubMed 38440907.